The following is an entry in ClinVar:

NM_019032.6(ADAMTSL4):c.2479_2480insT (p.Pro827fs)

Gene: ADAMTSL4 (ADAMTS like 4; plus strand). Cytogenetic location: 1q21.2.
Variant type: Insertion.
Coding change: c.2479_2480insT on transcript NM_019032.6 (MANE Select); coding-DNA positions 2479 to 2480, T inserted.
Protein change: p.Pro827fs; shifts the reading frame from proline 827.
Molecular consequence: frameshift variant.
Genome position: GRCh38 VCF-style: chr1-150558569-C-CT. GRCh37 (hg19) VCF-style: chr1-150531045-C-CT.
Other names: c.2362_2363insT, p.Pro788fs (NM_001288607.2); c.2548_2549insT, p.Pro850fs (NM_001288608.2); c.2479_2480insT, p.Pro827fs (NM_001378596.1, NM_025008.5); short protein forms P788fs, P827fs, P850fs.
Identifiers: ClinVar variation 2857785 (VCV002857785.3), dbSNP rs1560302636, ClinGen allele CA526260848.

ClinVar aggregate classification (germline): Pathogenic (1 of 4 stars; one submission).

Allele frequency attached by ClinVar (database versions not stated): gnomAD exomes below 0.00001.

Submission:

Labcorp Genetics (formerly Invitae), Labcorp
Classification: Pathogenic. Last evaluated: 2023-04-20. Review status: criteria provided, single submitter. Criteria: Invitae Variant Classification Sherloc (09022015). Collection method: clinical testing. Allele origin: germline.
Comment: This sequence change creates a premature translational stop signal (p.Pro827Leufs*11) in the ADAMTSL4 gene. It is expected to result in an absent or disrupted protein product. Loss-of-function variants in ADAMTSL4 are known to be pathogenic (PMID: 20564469, 28642162). This variant is present in population databases (no rsID available, gnomAD 0.0009%). This variant has not been reported in the literature in individuals affected with ADAMTSL4-related conditions. For these reasons, this variant has been classified as Pathogenic.

Literature cited by the submitters: PubMed 20564469; PubMed 28642162.